The following is an entry in ClinVar:

ClinVar aggregate classification (germline): Uncertain significance (1 of 4 stars; one submission).

gnomAD v4.1: 1 of 1,602,766 alleles (0.000062%); highest among the groups gnomAD compares: Admixed American, 0.0017%; no homozygotes.

Submission:

Labcorp Genetics (formerly Invitae), Labcorp
Classification: Uncertain significance. Last evaluated: 2022-01-24. Review status: criteria provided, single submitter. Criteria: Invitae Variant Classification Sherloc (09022015). Collection method: clinical testing. Allele origin: germline.
Comment: This sequence change replaces alanine, which is neutral and non-polar, with glycine, which is neutral and non-polar, at codon 1278 of the MCM3AP protein (p.Ala1278Gly). This variant is present in population databases (no rsID available, gnomAD 0.003%). This variant has not been reported in the literature in individuals affected with MCM3AP-related conditions. Algorithms developed to predict the effect of missense changes on protein structure and function are either unavailable or do not agree on the potential impact of this missense change (SIFT: "Deleterious"; PolyPhen-2: "Probably Damaging"; Align-GVGD: "Class C0"). In summary, the available evidence is currently insufficient to determine the role of this variant in disease. Therefore, it has been classified as a Variant of Uncertain Significance.

NM_003906.5(MCM3AP):c.3833C>G (p.Ala1278Gly)

Gene: MCM3AP (minichromosome maintenance complex component 3 associated protein; minus strand). Cytogenetic location: 21q22.3.
Variant type: single nucleotide variant.
Coding change: c.3833C>G on transcript NM_003906.5 (MANE Select); coding-DNA position 3833, C replaced by G.
Protein change: p.Ala1278Gly; replaces alanine 1278 with glycine.
Molecular consequence: missense variant.
Genome position (GRCh38, 1-based): chr21:46,256,888, G>C on the plus strand (C>G on the coding strand, the complement: MCM3AP is on the minus strand). VCF-style: chr21-46256888-G-C. GRCh37 (hg19) VCF-style: chr21-47676802-G-C.
Other names: short protein forms A1278G.
Identifiers: ClinVar variation 2075196 (VCV002075196.3), dbSNP rs376354711, ClinGen allele CA410551106.